The following is an entry in ClinVar:

ClinVar aggregate classification (germline): Pathogenic (1 of 4 stars; one submission).

Submission:

GeneDx
Classification: Pathogenic. Last evaluated: 2017-09-12. Review status: criteria provided, single submitter. Criteria: GeneDx Variant Classification (06012015). Collection method: clinical testing. Allele origin: germline. Affected: yes.
Comment: The G803V pathogenic variant has not been published as a pathogenic variant, nor has it been reported as a benign variant to our knowledge. G803V occurs in the triple helical domain and replaces the Glycine in the canonical Gly-X-Y repeat. Variants in these Glycines result in poor winding of the collagen triple helix and a less functional protein. The G803V variant is not observed in large population cohorts (Lek et al., 2016; 1000 Genomes Consortium et al., 2015; Exome Variant Server). G803V is a conservative amino acid substitution, which is not likely to impact secondary protein structure as these residues share similar properties. This substitution occurs at a position that is conserved across species. In silico analysis predicts this variant is probably damaging to the protein structure/function. Missense variants in nearby Glycine residues (G788S/C, G809S, G815V/A) have been reported in the Human Gene Mutation Database in association with osteogenesis imperfecta (Stenson et al., 2014), supporting the functional importance of this region of the protein. Therefore, the presence of this pathogenic variant is consistent with the diagnosis of a COL1A1-related skeletal dysplasia

NM_000088.4(COL1A1):c.2408G>T (p.Gly803Val)

Gene: COL1A1 (collagen type I alpha 1 chain; minus strand). Cytogenetic location: 17q21.33.
Variant type: single nucleotide variant.
Coding change: c.2408G>T on transcript NM_000088.4 (MANE Select); coding-DNA position 2408, G replaced by T.
Protein change: p.Gly803Val; replaces glycine 803 with valine.
Molecular consequence: missense variant.
Genome position (GRCh38, 1-based): chr17:50,190,370, C>A on the plus strand (G>T on the coding strand, the complement: COL1A1 is on the minus strand). VCF-style: chr17-50190370-C-A. GRCh37 (hg19) VCF-style: chr17-48267731-C-A.
Other names: short protein forms G803V.
Identifiers: ClinVar variation 451965 (VCV000451965.2), dbSNP rs1555572756, ClinGen allele CA400207991.